The following is an entry in ClinVar:

ClinVar aggregate classification (germline): Likely pathogenic (1 of 4 stars; one submission).

Conditions:
Duchenne muscular dystrophy (DMD). Also called: Duchenne Muscular Dystrophy (DMD); MUSCULAR DYSTROPHY, PSEUDOHYPERTROPHIC PROGRESSIVE, DUCHENNE TYPE. Identifiers: Orphanet 98896, MedGen C0013264, MONDO:0010679, OMIM 310200.

Submission:

Labcorp Genetics (formerly Invitae), Labcorp
Classification: Likely pathogenic for Duchenne muscular dystrophy. Last evaluated: 2022-02-01. Review status: criteria provided, single submitter. Criteria: Invitae Variant Classification Sherloc (09022015). Collection method: clinical testing. Allele origin: germline.
Comment: This variant results in the deletion of exon 16 and part of exon 15 (c.1736_1992+1469del) of the DMD gene. It is expected to disrupt RNA splicing. Variants that disrupt the donor or acceptor splice site typically lead to a loss of protein function (PMID: 16199547), and loss-of-function variants in DMD are known to be pathogenic (PMID: 16770791, 25007885). This variant has not been reported in the literature in individuals affected with DMD-related conditions. In summary, the currently available evidence indicates that the variant is pathogenic, but additional data are needed to prove that conclusively. Therefore, this variant has been classified as Likely Pathogenic.

Literature cited by the submitters: PubMed 16199547; PubMed 16770791; PubMed 25007885.

NC_000023.10:g.(?_32582350)_(32591723_?)del

Gene: DMD (dystrophin; minus strand). Cytogenetic location: Xp21.1.
Variant type: Deletion.
Identifiers: ClinVar variation 2425001 (VCV002425001.5).